The following is an entry in ClinVar:

NM_001111.5(ADAR):c.675G>A (p.Pro225=)

Gene: ADAR (adenosine deaminase RNA specific; minus strand). Cytogenetic location: 1q21.3.
Variant type: single nucleotide variant.
Coding change: c.675G>A on transcript NM_001111.5 (MANE Select); coding-DNA position 675, G replaced by A.
Protein change: p.Pro225=; no amino-acid change (proline 225 retained).
Molecular consequence: synonymous variant. On other transcripts: 5 prime UTR variant (6).
Genome position (GRCh38, 1-based): chr1:154,601,967, C>T on the plus strand (G>A on the coding strand, the complement: ADAR is on the minus strand). VCF-style: chr1-154601967-C-T. GRCh37 (hg19) VCF-style: chr1-154574443-C-T.
Other names: c.675G>A (NM_001111.4); c.-211G>A (NM_001025107.3, NM_001193495.2, NM_001365046.1 and 3 more transcripts); c.702G>A, p.Pro234= (NM_001365045.1); c.675G>A, p.Pro225= (NM_015840.4, NM_015841.4).
Identifiers: ClinVar variation 1114156 (VCV001114156.17), dbSNP rs771459105, ClinGen allele CA1131654.
Genomic context (GRCh38, chr1:154,601,967, plus strand): 5'-AAAAGGCTCAAGAAGATCTTCTGAGACAGATGTGGAGTTTCTGTCTTCCGGTTCCAAACT[C>T]GGGTCTGAGTTTGGGGCTCCTTGGCTATGACCGTCTGGTCTTACCACTCCGCTGTGCTGG-3'
Protein context (NP_001102.3, residues 215-235): GHSQGAPNSD[Pro225=]SLEPEDRNST

ClinVar aggregate classification (germline): Likely benign. Review status: criteria provided, multiple submitters, no conflicts (2 of 4 stars). 6 submissions from 6 submitters: Likely benign (3). 3 of the submissions do not count toward it. Last evaluated 2026-07-01.

Conditions:
Symmetrical dyschromatosis of extremities (DSH). Also called: RETICULATE ACROPIGMENTATION OF DOHI; SYMMETRIC DYSCHROMATOSIS OF THE EXTREMITIES; Dyschromatosis symmetrica hereditaria; DYSCHROMATOSIS SYMMETRICA HEREDITARIA 1. Identifiers: Orphanet 41, MedGen C0406775, MONDO:0007483, OMIM 127400.
Aicardi-Goutieres syndrome 6 (AGS6). Identifiers: Orphanet 51, MedGen C3539013, MONDO:0014007, OMIM 615010.
ADAR-related disorder. Also called: ADAR-related condition; ADAR-related disorders.

Allele frequency attached by ClinVar (database versions not stated): ExAC 0.00002; gnomAD 0.00003 and 0.00004; gnomAD exomes 0.00004 and 0.00006.
gnomAD v4.1: 84 of 1,608,632 alleles (0.0052%); highest among the groups gnomAD compares: Admixed American, 0.012%; no homozygotes.

Submissions (6):

CeGaT Center for Human Genetics Tuebingen
Classification: Likely benign. Last evaluated: 2026-07-01. Review status: criteria provided, single submitter. Criteria: CeGaT Center For Human Genetics Tuebingen Variant Classification Criteria Version 2. Collection method: clinical testing. Allele origin: germline. Affected: yes. Observed: 1 variant allele.
Comment: ADAR: BP4, BP7

Labcorp Genetics (formerly Invitae), Labcorp
Classification: Likely benign for Aicardi-Goutieres syndrome 6; Symmetrical dyschromatosis of extremities. Last evaluated: 2025-12-02. Review status: criteria provided, single submitter. Criteria: Invitae Variant Classification Sherloc (09022015). Collection method: clinical testing. Allele origin: germline.

Blueprint Genetics
Classification: Likely benign. Last evaluated: 2023-03-14. Review status: criteria provided, single submitter. Criteria: ACMG Guidelines, 2015. Collection method: clinical testing. Allele origin: germline.

PreventionGenetics, part of Exact Sciences
Classification: Likely benign for ADAR-related condition. Last evaluated: 2019-09-23. Review status: no assertion criteria provided. Collection method: clinical testing. Allele origin: germline. Not counted in ClinVar's aggregate classification.
Comment: This variant is classified as likely benign based on ACMG/AMP sequence variant interpretation guidelines (Richards et al. 2015 PMID: 25741868, with internal and published modifications).

Clinical Genetics DNA and cytogenetics Diagnostics Lab, Erasmus MC, Erasmus Medical Center
Classification: Likely benign. Review status: no assertion criteria provided. Collection method: clinical testing. Allele origin: germline. Affected: yes. Study: VKGL Data-share Consensus. Not counted in ClinVar's aggregate classification.

Diagnostic Laboratory, Department of Genetics, University Medical Center Groningen
Classification: Likely benign. Review status: no assertion criteria provided. Collection method: clinical testing. Allele origin: germline. Affected: yes. Study: VKGL Data-share Consensus. Not counted in ClinVar's aggregate classification.